The following is an entry in ClinVar:

ClinVar aggregate classification (germline): Uncertain significance (1 of 4 stars; one submission).

Allele frequency attached by ClinVar (database versions not stated): ExAC 0.00001; gnomAD 0.00001; 1000 Genomes Project 30x 0.00016.
gnomAD v4.1: 7 of 1,613,978 alleles (0.00043%); highest among the groups gnomAD compares: African/African-American, 0.0013%; no homozygotes.

Submission:

Labcorp Genetics (formerly Invitae), Labcorp
Classification: Uncertain significance. Last evaluated: 2023-05-16. Review status: criteria provided, single submitter. Criteria: Invitae Variant Classification Sherloc (09022015). Collection method: clinical testing. Allele origin: germline.
Comment: This variant has not been reported in the literature in individuals affected with FLI1-related conditions. This variant is not present in population databases (gnomAD no frequency). This sequence change replaces glycine, which is neutral and non-polar, with serine, which is neutral and polar, at codon 364 of the FLI1 protein (p.Gly364Ser). Advanced modeling of protein sequence and biophysical properties (such as structural, functional, and spatial information, amino acid conservation, physicochemical variation, residue mobility, and thermodynamic stability) performed at Invitae indicates that this missense variant is expected to disrupt FLI1 protein function. In summary, the available evidence is currently insufficient to determine the role of this variant in disease. Therefore, it has been classified as a Variant of Uncertain Significance.

NM_002017.5(FLI1):c.1090G>A (p.Gly364Ser)

Gene: FLI1 (Fli-1 proto-oncogene, ETS transcription factor; plus strand). Cytogenetic location: 11q24.3.
Variant type: single nucleotide variant.
Coding change: c.1090G>A on transcript NM_002017.5 (MANE Select); coding-DNA position 1090, G replaced by A.
Protein change: p.Gly364Ser; replaces glycine 364 with serine.
Molecular consequence: missense variant.
Genome position (GRCh38, 1-based): chr11:128,810,719, G>A. VCF-style: chr11-128810719-G-A. GRCh37 (hg19) VCF-style: chr11-128680614-G-A.
Other names: c.991G>A, p.Gly331Ser (NM_001167681.3); c.892G>A, p.Gly298Ser (NM_001271010.2); c.511G>A, p.Gly171Ser (NM_001271012.2); short protein forms G298S, G171S, G331S, G364S.
Identifiers: ClinVar variation 2820540 (VCV002820540.3), dbSNP rs778517558, ClinGen allele CA6357307.